The following is an entry in ClinVar:

ClinVar aggregate classification (germline): Uncertain significance. Review status: criteria provided, single submitter (1 of 4 stars). 2 submissions from 2 submitters: Uncertain significance (1). 1 of the submissions does not count toward it. Last evaluated 2020-01-11.

Conditions:
Spastic paraplegia 93, autosomal recessive. Identifiers: MedGen C5975375, MONDO:0975796, OMIM 620938.

gnomAD v4.1: 2 of 1,613,250 alleles (0.00012%); highest among the groups gnomAD compares: Non-Finnish European, 0.00017%; no homozygotes.

Submissions (2):

GeneDx
Classification: Uncertain significance. Last evaluated: 2020-01-11. Review status: criteria provided, single submitter. Criteria: GeneDx Variant Classification Process June 2021. Collection method: clinical testing. Allele origin: germline. Affected: yes.
Comment: Not observed in large population cohorts (Lek et al., 2016); In silico analysis, which includes protein predictors and evolutionary conservation, supports a deleterious effect; Has not been previously published as pathogenic or benign to our knowledge

OMIM
Classification: Pathogenic for SPASTIC PARAPLEGIA 93, AUTOSOMAL RECESSIVE. Last evaluated: 2024-09-09. Review status: no assertion criteria provided. Collection method: literature only. Allele origin: germline. Not counted in ClinVar's aggregate classification.

Literature cited by the submitters: PubMed 36256512 (cited by OMIM).

NM_001002755.4(NFU1):c.298G>C (p.Ala100Pro)

Gene: NFU1 (NFU1 iron-sulfur cluster scaffold; minus strand). Cytogenetic location: 2p13.3.
Variant type: single nucleotide variant.
Coding change: c.298G>C on transcript NM_001002755.4 (MANE Select); coding-DNA position 298, G replaced by C.
Protein change: p.Ala100Pro; replaces alanine 100 with proline.
Molecular consequence: missense variant. On other transcripts: intron variant (1).
Genome position (GRCh38, 1-based): chr2:69,423,586, C>G on the plus strand (G>C on the coding strand, the complement: NFU1 is on the minus strand). VCF-style: chr2-69423586-C-G. GRCh37 (hg19) VCF-style: chr2-69650718-C-G.
Other names: c.226G>C, p.Ala76Pro (NM_001374284.1, NM_015700.4); c.-121-3982G>C (NM_001002756.2); short protein forms A100P, A76P.
Identifiers: ClinVar variation 1303302 (VCV001303302.3), dbSNP rs1279585557, ClinGen allele CA347129521.